The following is an entry in ClinVar:

NM_201525.4(ADGRG1):c.1553G>A (p.Trp518Ter)

Gene: ADGRG1 (adhesion G protein-coupled receptor G1; plus strand). Cytogenetic location: 16q21.
Variant type: single nucleotide variant.
Coding change: c.1553G>A on transcript NM_201525.4 (MANE Select); coding-DNA position 1553, G replaced by A.
Protein change: p.Trp518Ter; replaces tryptophan 518 with a stop codon.
Molecular consequence: nonsense.
Genome position (GRCh38, 1-based): chr16:57,659,679, G>A. VCF-style: chr16-57659679-G-A. GRCh37 (hg19) VCF-style: chr16-57693591-G-A.
Other names: c.1553G>A, p.Trp518Ter (NM_001145770.3, NM_001145772.3, NM_001145774.3 and 7 more transcripts); c.1571G>A, p.Trp524Ter (NM_001145771.3, NM_001370428.1, NM_001370429.1 and 4 more transcripts); c.1568G>A, p.Trp523Ter (NM_001145773.3, NM_001370433.1, NM_001370434.1); c.1061G>A, p.Trp354Ter (NM_001290142.2); c.1046G>A, p.Trp349Ter (NM_001290143.2); c.1028G>A, p.Trp343Ter (NM_001290144.2, NM_001370451.1, NM_001370453.1 and 1 more transcripts); c.1550G>A, p.Trp517Ter (NM_001370441.1); c.1397G>A, p.Trp466Ter (NM_001370442.1); short protein forms W343*, W349*, W354*, W466*, W517*, W518*, W523*, W524*.
Identifiers: ClinVar variation 1074225 (VCV001074225.7), dbSNP rs2148540536, ClinGen allele CA396051442.

ClinVar aggregate classification (germline): Pathogenic (1 of 4 stars; one submission).

Submission:

Labcorp Genetics (formerly Invitae), Labcorp
Classification: Pathogenic. Last evaluated: 2021-08-12. Review status: criteria provided, single submitter. Criteria: Invitae Variant Classification Sherloc (09022015). Collection method: clinical testing. Allele origin: germline.
Comment: This sequence change creates a premature translational stop signal (p.Trp524*) in the ADGRG1 gene. It is expected to result in an absent or disrupted protein product. Loss-of-function variants in ADGRG1 are known to be pathogenic (PMID: 15044805, 20929962). This variant is not present in population databases (ExAC no frequency). This variant has not been reported in the literature in individuals affected with ADGRG1-related conditions. ClinVar contains an entry for this variant (Variation ID: 1074225). For these reasons, this variant has been classified as Pathogenic.

Literature cited by the submitters: PubMed 15044805; PubMed 20929962.